The following is an entry in ClinVar:

NM_001127222.2(CACNA1A):c.2070dup (p.Ile691fs)

Gene: CACNA1A (calcium voltage-gated channel subunit alpha1 A; minus strand). Cytogenetic location: 19p13.13.
Variant type: Duplication.
Coding change: c.2070dup on transcript NM_001127222.2 (MANE Select); coding-DNA position 2070, one base duplicated (C; older notation c.2070dupC).
Protein change: p.Ile691fs; shifts the reading frame from isoleucine 691.
Molecular consequence: frameshift variant.
Genome position (GRCh38, 1-based): chr19:13,303,801, G duplicated on the plus strand (C on the coding strand, the reverse complement: CACNA1A is on the minus strand); the first of 2 consecutive G bases (chr19:13,303,801-13,303,802); duplicating either gives the same sequence. VCF-style (leftmost placement, unchanged base first): chr19-13303800-T-TG. GRCh37 (hg19) VCF-style: chr19-13414614-T-TG.
Other names: c.2073dup, p.Ile692fs (NM_000068.4, NM_001127221.2, NM_001174080.2 and 1 more transcripts); c.2073dupC (NM_001127221.2); short protein forms I691fs, I692fs.
Identifiers: ClinVar variation 3769267 (VCV003769267.2).
Genomic context (GRCh38, chr19:13,303,800, plus strand): 5'-CCCCTTCTCTCTCTCCATGAAGGATACAGTTCCCAAAGAGCGTCAGTACAATGAAATAGA[T>TG]GGAGAACACCATGCCGCCCTGCACGCCCCCCTGAGACTTGATCCCGTCGTACATGACCTC-3'

ClinVar aggregate classification (germline): Pathogenic (1 of 4 stars; one submission).

Conditions:
Developmental and epileptic encephalopathy, 42 (DEE42A). Also called: Epileptic encephalopathy, early infantile, 42; DEVELOPMENTAL AND EPILEPTIC ENCEPHALOPATHY 42A; EPILEPTIC ENCEPHALOPATHY, EARLY INFANTILE, 42A. Identifiers: MedGen C4310716, MONDO:0014917, OMIM 617106.

Submission:

Women's Health and Genetics/Laboratory Corporation of America, LabCorp
Classification: Pathogenic for Developmental and epileptic encephalopathy, 42. Last evaluated: 2025-01-06. Review status: criteria provided, single submitter. Criteria: LabCorp Variant Classification Summary - May 2015. Collection method: clinical testing. Allele origin: germline.
Comment: Variant summary: CACNA1A c.2073dupC (p.Ile692HisfsX90) results in a premature termination codon, predicted to cause a truncation of the encoded protein or absence of the protein due to nonsense mediated decay, which are commonly known mechanisms for disease. The variant was absent in 249294 control chromosomes. To our knowledge, no occurrence of c.2073dupC in individuals affected with Epileptic Encephalopathy, Early Infantile, 42 and no experimental evidence demonstrating its impact on protein function have been reported. No submitters have cited clinical-significance assessments for this variant to ClinVar. Based on the evidence outlined above, the variant was classified as pathogenic.